The following is an entry in ClinVar:

NM_014271.4(IL1RAPL1):c.1040T>C (p.Val347Ala)

Gene: IL1RAPL1 (interleukin 1 receptor accessory protein like 1; plus strand). Cytogenetic location: Xp21.2.
Variant type: single nucleotide variant.
Coding change: c.1040T>C on transcript NM_014271.4 (MANE Select); coding-DNA position 1040, T replaced by C.
Protein change: p.Val347Ala; replaces valine 347 with alanine.
Molecular consequence: missense variant.
Genome position (GRCh38, 1-based): chrX:29,920,077, T>C. VCF-style: chrX-29920077-T-C. GRCh37 (hg19) VCF-style: chrX-29938194-T-C.
Other names: short protein forms V347A.
Identifiers: ClinVar variation 3234613 (VCV003234613.20), dbSNP rs2518920200, ClinGen allele CA412636350.

ClinVar aggregate classification (germline): Uncertain significance (1 of 4 stars; one submission).

Submission:

CeGaT Center for Human Genetics Tuebingen
Classification: Uncertain significance. Last evaluated: 2024-04-01. Review status: criteria provided, single submitter. Criteria: CeGaT Center For Human Genetics Tuebingen Variant Classification Criteria Version 2. Collection method: clinical testing. Allele origin: germline. Affected: yes. Observed: 1 variant allele.
Comment: IL1RAPL1: PM2